The following is an entry in ClinVar:

NM_138425.4(C12orf57):c.176C>A (p.Thr59Lys)

Gene: C12orf57 (chromosome 12 open reading frame 57; plus strand). Cytogenetic location: 12p13.31.
Variant type: single nucleotide variant.
Coding change: c.176C>A on transcript NM_138425.4 (MANE Select); coding-DNA position 176, C replaced by A.
Protein change: p.Thr59Lys; replaces threonine 59 with lysine.
Molecular consequence: missense variant. On other transcripts: intron variant (1).
Genome position (GRCh38, 1-based): chr12:6,944,599, C>A. VCF-style: chr12-6944599-C-A. GRCh37 (hg19) VCF-style: chr12-7053762-C-A.
Other names: c.176C>A, p.Thr59Lys (NM_001301834.1); c.137C>A, p.Thr46Lys (NM_001301836.2); c.71C>A, p.Thr24Lys (NM_001301838.2); c.142+34C>A (NM_001301837.2); short protein forms T24K, T46K, T59K.
Identifiers: ClinVar variation 3894531 (VCV003894531.1).

ClinVar aggregate classification (germline): Uncertain significance (1 of 4 stars; one submission).

Conditions:
Temtamy syndrome (TEMTYS). Also called: MENTAL RETARDATION WITH OR WITHOUT CRANIOFACIAL DYSMORPHISM, OCULAR COLOBOMA, OR ABNORMAL CORPUS CALLOSUM. Identifiers: Orphanet 1777, MedGen C1857512, MONDO:0009033, OMIM 218340.

gnomAD v4.1: 1 of 1,614,190 alleles (0.000062%); no homozygotes.

Submission:

Laboratory of Molecular Genetics, CHU Rennes
Classification: Uncertain significance for Temtamy syndrome. Last evaluated: 2025-04-14. Review status: criteria provided, single submitter. Criteria: ACMG Guidelines, 2015. Collection method: clinical testing. Allele origin: germline. Affected: yes.